The following is an entry in ClinVar:

NM_001009944.3(PKD1):c.7775C>T (p.Thr2592Ile)

Gene: PKD1 (polycystin 1, transient receptor potential channel interacting; minus strand). Cytogenetic location: 16p13.3.
Variant type: single nucleotide variant.
Coding change: c.7775C>T on transcript NM_001009944.3 (MANE Select); coding-DNA position 7775, C replaced by T.
Protein change: p.Thr2592Ile; replaces threonine 2592 with isoleucine.
Molecular consequence: missense variant.
Genome position (GRCh38, 1-based): chr16:2,105,953, G>A on the plus strand (C>T on the coding strand, the complement: PKD1 is on the minus strand). VCF-style: chr16-2105953-G-A. GRCh37 (hg19) VCF-style: chr16-2155954-G-A.
Other names: c.7775C>T, p.Thr2592Ile (NM_000296.4); short protein forms T2592I.
Identifiers: ClinVar variation 1310825 (VCV001310825.4), dbSNP rs1458197743, ClinGen allele CA394367906.

ClinVar aggregate classification (germline): Uncertain significance. Review status: criteria provided, multiple submitters, no conflicts (2 of 4 stars). 3 submissions from 3 submitters: Uncertain significance (3). Last evaluated 2024-05-07.

Conditions:
Polycystic kidney disease, adult type (PKD1). Also called: Polycystic Kidney Disease 1, Autosomal Dominant; Polycystic kidney disease 1; Polycystic kidney disease 1, severe; POLYCYSTIC KIDNEY DISEASE 1 WITH OR WITHOUT POLYCYSTIC LIVER DISEASE; POLYCYSTIC KIDNEY DISEASE, ADULT, TYPE I; Polycystic Kidney, Autosomal Dominant. Identifiers: MedGen C3149841, MONDO:0008263, OMIM 173900.

Allele frequency attached by ClinVar (database versions not stated): gnomAD 0.00001; TOPMed 0.00001; gnomAD exomes 0.00002.
gnomAD v4.1: 18 of 1,599,302 alleles (0.0011%); highest among the groups gnomAD compares: Middle Eastern, 0.067%; no homozygotes.

Submissions (3):

Fulgent Genetics
Classification: Uncertain significance for Polycystic kidney disease, adult type. Last evaluated: 2024-05-07. Review status: criteria provided, single submitter. Criteria: ACMG Guidelines, 2015. Collection method: clinical testing. Allele origin: germline.

Victorian Clinical Genetics Services, Murdoch Childrens Research Institute
Classification: Uncertain significance for Polycystic kidney disease, adult type. Last evaluated: 2023-12-21. Review status: criteria provided, single submitter. Criteria: ACMG Guidelines, 2015. Collection method: clinical testing. Allele origin: germline. Inheritance: Autosomal dominant inheritance. Affected: yes.
Comment: Based on the classification scheme VCGS_Germline_v1.3.4, this variant is classified as VUS-3B. Following criteria are met: 0102 - Loss of function is a known mechanism of disease in this gene and is associated with polycystic kidney disease 1 (MIM#173900). (I) 0107 - This gene is associated with autosomal dominant disease. Polycystic kidney disease 1 (MIM#173900) is predominantly caused by monoallelic variants, with rare reports of biallelic variants causing disease (OMIM). (I) 0200 - Variant is predicted to result in a missense amino acid change from threonine to isoleucine. (I) 0251 - This variant is heterozygous. (I) 0302 - Variant is present in gnomAD (v2 and v3) <0.001 for a dominant condition (7 heterozygotes, 0 homozygotes). (SP) 0502 - Missense variant with conflicting in silico predictions and uninformative conservation. (I) 0600 - Variant is located in the annotated REJ domain (DECIPHER). (I) 0705 - No comparable missense variants have previous evidence for pathogenicity. (I) 0809 - Previous evidence of pathogenicity for this variant is inconclusive. This variants has been classified as a VUS by a clinical laboratory in ClinVar. (I) 0905 - No published segregation evidence has been identified for this variant. (I) 1007 - No published functional evidence has been identified for this variant. (I) 1208 - Inheritance information for this variant is not currently available in this individual. (I) Legend: (SP) - Supporting pathogenic, (I) - Information, (SB) - Supporting benign

GeneDx
Classification: Uncertain significance. Last evaluated: 2019-12-13. Review status: criteria provided, single submitter. Criteria: GeneDx Variant Classification Process June 2021. Collection method: clinical testing. Allele origin: germline. Affected: yes.
Comment: Not observed at a significant frequency in large population cohorts (Lek et al., 2016); In silico analysis, which includes protein predictors and evolutionary conservation, supports a deleterious effect; Has not been previously published as pathogenic or benign to our knowledge